The following is an entry in ClinVar:

ClinVar aggregate classification (germline): Uncertain significance. Review status: criteria provided, multiple submitters, no conflicts (2 of 4 stars). 2 submissions from 2 submitters: Uncertain significance (2). Last evaluated 2023-10-14.

Conditions:
Inborn genetic diseases. Identifiers: MedGen C0950123, MeSH D030342.

Allele frequency attached by ClinVar (database versions not stated): ExAC 0.00001; gnomAD 0.00001; gnomAD exomes 0.00001; TOPMed 0.00001.
gnomAD v4.1: 11 of 1,614,086 alleles (0.00068%); highest among the groups gnomAD compares: Non-Finnish European, 0.00093%; no homozygotes.

Submissions (2):

Ambry Genetics
Classification: Uncertain significance for Inborn genetic diseases. Last evaluated: 2023-10-14. Review status: criteria provided, single submitter. Criteria: Ambry Variant Classification Scheme 2023. Collection method: clinical testing. Allele origin: germline.

Labcorp Genetics (formerly Invitae), Labcorp
Classification: Uncertain significance. Last evaluated: 2022-06-15. Review status: criteria provided, single submitter. Criteria: Invitae Variant Classification Sherloc (09022015). Collection method: clinical testing. Allele origin: germline.
Comment: In summary, the available evidence is currently insufficient to determine the role of this variant in disease. Therefore, it has been classified as a Variant of Uncertain Significance. Algorithms developed to predict the effect of missense changes on protein structure and function are either unavailable or do not agree on the potential impact of this missense change (SIFT: "Deleterious"; PolyPhen-2: "Possibly Damaging"; Align-GVGD: "Class C0"). This variant has not been reported in the literature in individuals affected with LRRK1-related conditions. This variant is present in population databases (rs774451516, gnomAD 0.002%). This sequence change replaces glycine, which is neutral and non-polar, with aspartic acid, which is acidic and polar, at codon 1925 of the LRRK1 protein (p.Gly1925Asp).

NM_024652.6(LRRK1):c.5774G>A (p.Gly1925Asp)

Genes: LRRK1 (leucine rich repeat kinase 1; plus strand), LRRK1-AS1 (LRRK1 antisense RNA 1; minus strand). Cytogenetic location: 15q26.3.
Variant type: single nucleotide variant.
Coding change: c.5774G>A on transcript NM_024652.6 (MANE Select); coding-DNA position 5774, G replaced by A.
Protein change: p.Gly1925Asp; replaces glycine 1925 with aspartic acid.
Molecular consequence: missense variant.
Genome position (GRCh38, 1-based): chr15:101,066,645, G>A. VCF-style: chr15-101066645-G-A. GRCh37 (hg19) VCF-style: chr15-101606850-G-A.
Other names: c.5774G>A (NM_024652.3); short protein forms G1925D.
Identifiers: ClinVar variation 1941709 (VCV001941709.4), dbSNP rs774451516, ClinGen allele CA7762252.
Genomic context (GRCh38, chr15:101,066,645, plus strand): 5'-CCGGAGAGCACGGCTACCGACAAATCGCTTCCCCTTCTGGGTTTTGGTTGCTTAGGCGCG[G>A]TGGAGATGTTATCGTCATTGGCCTGGAGAAGGATTCTGGCGCCCAGCGGGGCCGAGTCAT-3'
Protein context (NP_078928.3, residues 1915-1935): VRDLIWVPRR[Gly1925Asp]GDVIVIGLEK